The following is an entry in ClinVar:

ClinVar aggregate classification (germline): Benign/Likely benign. Review status: criteria provided, multiple submitters, no conflicts (2 of 4 stars). 4 submissions from 4 submitters: Benign (1); Likely benign (3). Last evaluated 2025-09-19.

Conditions:
Juvenile polyposis syndrome (JPS). Identifiers: Orphanet 2929, MedGen C0345893, MONDO:0017380, OMIM 174900.
Hereditary cancer-predisposing syndrome. Also called: Neoplastic Syndromes, Hereditary; Hereditary Cancer Syndrome; Hereditary neoplastic syndrome; Tumor predisposition. Identifiers: Orphanet 140162, MedGen C0027672, MeSH D009386, MONDO:0015356.

Allele frequency attached by ClinVar (database versions not stated): TOPMed 0.00001.

Submissions (4):

Ambry Genetics
Classification: Likely benign for Hereditary cancer-predisposing syndrome. Last evaluated: 2025-09-19. Review status: criteria provided, single submitter. Criteria: Ambry Variant Classification Scheme 2023. Collection method: clinical testing. Allele origin: germline.

Labcorp Genetics (formerly Invitae), Labcorp
Classification: Likely benign for Juvenile polyposis syndrome. Last evaluated: 2025-09-03. Review status: criteria provided, single submitter. Criteria: Invitae Variant Classification Sherloc (09022015). Collection method: clinical testing. Allele origin: germline.

Color Diagnostics, LLC DBA Color Health
Classification: Likely benign for Hereditary cancer-predisposing syndrome. Last evaluated: 2025-08-04. Review status: criteria provided, single submitter. Criteria: ACMG Guidelines, 2015. Collection method: clinical testing. Allele origin: germline.

Myriad Genetics, Inc.
Classification: Benign for Juvenile polyposis syndrome. Last evaluated: 2024-08-05. Review status: criteria provided, single submitter. Criteria: Myriad Autosomal Dominant, Autosomal Recessive and X-Linked Classification Criteria (2023). Collection method: clinical testing. Allele origin: unknown.
Comment: This variant is considered benign. This variant is a silent/synonymous amino acid change and it is not expected to impact splicing.

NM_004329.3(BMPR1A):c.984C>T (p.Thr328=)

Gene: BMPR1A (bone morphogenetic protein receptor type 1A; plus strand). Cytogenetic location: 10q23.2.
Variant type: single nucleotide variant.
Coding change: c.984C>T on transcript NM_004329.3 (MANE Select); coding-DNA position 984, C replaced by T.
Protein change: p.Thr328=; no amino-acid change (threonine 328 retained).
Molecular consequence: synonymous variant. On other transcripts: non-coding transcript variant (3).
Genome position (GRCh38, 1-based): chr10:86,919,287, C>T. VCF-style: chr10-86919287-C-T. GRCh37 (hg19) VCF-style: chr10-88679044-C-T.
Other names: c.1059C>T, p.Thr353= (NM_001406559.1); c.1032C>T, p.Thr344= (NM_001406560.1); c.984C>T, p.Thr328= (NM_001406561.1, NM_001406562.1, NM_001406563.1 and 19 more transcripts); c.978C>T, p.Thr326= (NM_001406583.1); c.900C>T, p.Thr300= (NM_001406584.1, NM_001406585.1, NM_001406586.1 and 2 more transcripts); c.642C>T, p.Thr214= (NM_001406589.1).
Identifiers: ClinVar variation 2156343 (VCV002156343.6), dbSNP rs981282948, ClinGen allele CA211208638.
Genomic context (GRCh38, chr10:86,919,287, plus strand): 5'-TACTGATTACCATGAAAATGGATCTCTCTATGACTTCCTGAAATGTGCTACACTGGACAC[C>T]AGAGCCCTGCTTAAATTGGCTTATTCAGCTGCCTGTGGTCTGTGCCACCTGCACACAGAA-3'
Protein context (NP_004320.2, residues 318-338): YDFLKCATLD[Thr328=]RALLKLAYSA